The following is an entry in ClinVar:

NM_002734.5(PRKAR1A):c.280AGG[1] (p.Arg97del)

Gene: PRKAR1A (protein kinase cAMP-dependent type I regulatory subunit alpha; plus strand). Cytogenetic location: 17q24.2.
Variant type: Microsatellite.
Coding change: c.280AGG[1] on transcript NM_002734.5 (MANE Select); one copy of the 3-base unit AGG starting at c.280; the reference has two copies in a row; one copy, 3 bases deleted.
Protein change: p.Arg97del; deletes arginine 97.
Molecular consequence: inframe deletion.
Genome position (GRCh38, 1-based): chr17:68,522,861-68,522,863, AGG deleted; deleting any 3 consecutive bases within chr17:68,522,858-68,522,863 gives the same sequence; the position shown is the placement nearest the transcript's 3' end. VCF-style (leftmost placement, unchanged base first): chr17-68522857-TAGG-T. GRCh37 (hg19) VCF-style: chr17-66518998-TAGG-T.
Other names: c.280AGG[1], p.Arg97del (NM_001276289.2, NM_001276290.1, NM_001278433.2 and 4 more transcripts); c.283_285delAGG (NM_002734.4); short protein forms R97del.
Identifiers: ClinVar variation 646232 (VCV000646232.8), dbSNP rs1600478948, ClinGen allele CA915952204.
Genomic context (GRCh38, chr17:68,522,857, plus strand): 5'-TCGTACAGACTCAAGGGAGGATGAGATTTCTCCTCCTCCACCCAACCCAGTGGTTAAAGG[TAGG>T]AGGCGACGAGGTGCTATCAGCGCTGAGGTCTACACGGAGGAAGATGCGGCATCCTATGTT-3'

ClinVar aggregate classification (germline): Uncertain significance (1 of 4 stars; one submission).

Conditions:
Carney complex, type 1 (CNC1). Also called: CARNEY COMPLEX, TYPE I; CARNEY MYXOMA-ENDOCRINE COMPLEX. Identifiers: Orphanet 1359, MedGen C2607929, MONDO:0008057, OMIM 160980.

Submission:

Labcorp Genetics (formerly Invitae), Labcorp
Classification: Uncertain significance for Carney complex, type 1. Last evaluated: 2018-10-14. Review status: criteria provided, single submitter. Criteria: Invitae Variant Classification Sherloc (09022015). Collection method: clinical testing. Allele origin: germline.
Comment: This variant, c.283_285delAGG, results in the deletion of 1 amino acid(s) of the PRKAR1A protein (p.Arg97del), but otherwise preserves the integrity of the reading frame. This variant is not present in population databases (ExAC no frequency). This variant has not been reported in the literature in individuals with PRKAR1A-related disease. Experimental studies and prediction algorithms are not available for this variant, and the functional significance of the affected amino acid(s) is currently unknown. In summary, the available evidence is currently insufficient to determine the role of this variant in disease. Therefore, it has been classified as a Variant of Uncertain Significance.